The following is an entry in ClinVar:

NM_006947.4(SRP72):c.1287C>G (p.Phe429Leu)

Gene: SRP72 (signal recognition particle 72; plus strand). Cytogenetic location: 4q12.
Variant type: single nucleotide variant.
Coding change: c.1287C>G on transcript NM_006947.4 (MANE Select); coding-DNA position 1287, C replaced by G.
Protein change: p.Phe429Leu; replaces phenylalanine 429 with leucine.
Molecular consequence: missense variant. On other transcripts: non-coding transcript variant (1).
Genome position (GRCh38, 1-based): chr4:56,489,450, C>G. VCF-style: chr4-56489450-C-G. GRCh37 (hg19) VCF-style: chr4-57355616-C-G.
Other names: c.1104C>G, p.Phe368Leu (NM_001267722.2); short protein forms F368L, F429L.
Identifiers: ClinVar variation 3962142 (VCV003962142.1).
Genomic context (GRCh38, chr4:56,489,450, plus strand): 5'-ATCTGCATTAGTTACCATGTATAGCCATGAAGAAGATATTGATAGTGCCATTGAGGTCTT[C>G]ACACAAGCTATCCAGTGGTATCAAAACCATCAGGTAAATAAATGGAGTAAAATGTTATGA-3'
Protein context (NP_008878.3, residues 419-439): EEDIDSAIEV[Phe429Leu]TQAIQWYQNH

ClinVar aggregate classification (germline): Uncertain significance (1 of 4 stars; one submission).

Submission:

Ambry Genetics
Classification: Uncertain significance. Last evaluated: 2025-06-08. Review status: criteria provided, single submitter. Criteria: Ambry Variant Classification Scheme 2023. Collection method: clinical testing. Allele origin: germline.
Comment: The p.F429L variant (also known as c.1287C>G), located in coding exon 13 of the SRP72 gene, results from a C to G substitution at nucleotide position 1287. The phenylalanine at codon 429 is replaced by leucine, an amino acid with highly similar properties. This amino acid position is conserved. In addition, the in silico prediction for this alteration is inconclusive. Based on the available evidence, the clinical significance of this variant remains unclear.